The following is an entry in ClinVar:

NM_001355436.2(SPTB):c.6085G>T (p.Glu2029Ter)

Gene: SPTB (spectrin beta, erythrocytic; minus strand). Cytogenetic location: 14q23.3.
Variant type: single nucleotide variant.
Coding change: c.6085G>T on transcript NM_001355436.2 (MANE Select); coding-DNA position 6085, G replaced by T.
Protein change: p.Glu2029Ter; replaces glutamic acid 2029 with a stop codon.
Molecular consequence: nonsense.
Genome position (GRCh38, 1-based): chr14:64,767,797, C>A on the plus strand (G>T on the coding strand, the complement: SPTB is on the minus strand). VCF-style: chr14-64767797-C-A. GRCh37 (hg19) VCF-style: chr14-65234515-C-A.
Other names: c.6085G>T, p.Glu2029Ter (NM_001024858.4, NM_001355437.2); short protein forms E2029*.
Identifiers: ClinVar variation 4685994 (VCV004685994.1).

ClinVar aggregate classification (germline): Likely pathogenic (1 of 4 stars; one submission).

Submission:

ARUP Laboratories, Molecular Genetics and Genomics, ARUP Laboratories
Classification: Likely pathogenic. Last evaluated: 2025-01-15. Review status: criteria provided, single submitter. Criteria: ARUP Molecular Germline Variant Investigation Process 2024. Collection method: clinical testing. Allele origin: germline.
Comment: The SPTB c.6085G>T; p.Glu2029Ter variant, to our knowledge, is not reported in the medical literature or gene specific databases. This variant is also absent from the Genome Aggregation Database (v2.1.1), indicating it is not a common polymorphism. This variant induces an early termination codon and is predicted to result in a truncated protein or mRNA subject to nonsense-mediated decay. Based on available information, this variant is considered to be likely pathogenic.